The following is an entry in ClinVar:

NM_024665.7(TBL1XR1):c.792G>A (p.Gln264=)

Genes: TBL1XR1-AS1 (TBL1XR1 antisense RNA 1; plus strand), TBL1XR1 (TBL1X/Y related 1; minus strand). Cytogenetic location: 3q26.32.
Variant type: single nucleotide variant.
Coding change: c.792G>A on transcript NM_024665.7 (MANE Select); coding-DNA position 792, G replaced by A.
Protein change: p.Gln264=; no amino-acid change (glutamine 264 retained).
Molecular consequence: synonymous variant.
Genome position (GRCh38, 1-based): chr3:177,047,372, C>T on the plus strand (G>A on the coding strand, the complement: TBL1XR1 is on the minus strand). VCF-style: chr3-177047372-C-T. GRCh37 (hg19) VCF-style: chr3-176765160-C-T.
Other names: c.792G>A, p.Gln264= (NM_001321193.3, NM_001321194.3, NM_001374327.1 and 2 more transcripts); c.531G>A, p.Gln177= (NM_001321195.3, NM_001374330.1).
Identifiers: ClinVar variation 468540 (VCV000468540.26), dbSNP rs754559924, ClinGen allele CA2709884.
Genomic context (GRCh38, chr3:177,047,372, plus strand): 5'-AGCACTTAGGATGAAATTTCCTTTCTTATTCCATTTTAATGCAAATATAGGGCCTTTATG[C>T]TGCCCTAAGGTGCTAGCAAGGTTACCTAAAATGCAAAAGAAAAACATTAACATTATTTTA-3'
Protein context (NP_078941.2, residues 254-274): KDGNLASTLG[Gln264=]HKGPIFALKW

ClinVar aggregate classification (germline): Likely benign. Review status: criteria provided, multiple submitters, no conflicts (2 of 4 stars). 3 submissions from 3 submitters: Likely benign (3). Last evaluated 2025-12-30.

Conditions:
Pierpont syndrome (PRPTS). Identifiers: Orphanet 487825, MedGen C1865644, MONDO:0011213, OMIM 602342.

Allele frequency attached by ClinVar (database versions not stated): gnomAD exomes 0.00004 and 0.00012; ExAC 0.00006; gnomAD 0.00006; TOPMed 0.00008.
gnomAD v4.1: 185 of 1,577,030 alleles (0.012%); highest among the groups gnomAD compares: Non-Finnish European, 0.015%; no homozygotes.

Submissions (3):

Labcorp Genetics (formerly Invitae), Labcorp
Classification: Likely benign for Pierpont syndrome. Last evaluated: 2025-12-30. Review status: criteria provided, single submitter. Criteria: Invitae Variant Classification Sherloc (09022015). Collection method: clinical testing. Allele origin: germline.

CeGaT Center for Human Genetics Tuebingen
Classification: Likely benign. Last evaluated: 2025-01-01. Review status: criteria provided, single submitter. Criteria: CeGaT Center For Human Genetics Tuebingen Variant Classification Criteria Version 2. Collection method: clinical testing. Allele origin: germline. Affected: yes. Observed: 1 variant allele.
Comment: TBL1XR1: BP4, BP7

GeneDx
Classification: Likely benign. Last evaluated: 2021-02-16. Review status: criteria provided, single submitter. Criteria: GeneDx Variant Classification Process June 2021. Collection method: clinical testing. Allele origin: germline. Affected: yes.